The following is an entry in ClinVar:

NM_177438.3(DICER1):c.4206+11_4206+13del

Gene: DICER1 (dicer 1, ribonuclease III; minus strand). Cytogenetic location: 14q32.13.
Variant type: Deletion.
Coding change: c.4206+11_4206+13del on transcript NM_177438.3 (MANE Select); bases 11 to 13 of the intron after coding-DNA position 4206, 3 bases deleted (GTG; older notation c.4206+11_4206+13delGTG).
Molecular consequence: intron variant.
Genome position (GRCh38, 1-based): chr14:95,099,767-95,099,769, CAC deleted on the plus strand (GTG on the coding strand, the reverse complement: DICER1 is on the minus strand). VCF-style (leftmost placement, unchanged base first): chr14-95099766-ACAC-A. GRCh37 (hg19) VCF-style: chr14-95566103-ACAC-A.
Other names: c.4206+11_4206+13del (NM_001291628.2, NM_030621.4, NM_001271282.3 and 1 more transcripts); c.4206+11_4206+13delGTG (NM_177438.3, NM_030621.4).
Identifiers: ClinVar variation 1050748 (VCV001050748.11), dbSNP rs752585711, ClinGen allele CA7330920.
Genomic context (GRCh38, chr14:95,099,766, plus strand): 5'-TCACCGAAAAGTAAATCCCTCCAGTTACACACACACACACACACACACACACACACACAC[ACAC>A]ACAAACTTACCATTTCATCTTTTTCCCATTTATCTGTGTTGCTTTTGTCTTGATTTACTA-3'

ClinVar aggregate classification (germline): Conflicting classifications of pathogenicity. Review status: criteria provided, conflicting classifications (1 of 4 stars). 4 submissions from 4 submitters: Uncertain significance (1); Likely benign (1). 2 of the submissions do not count toward it. Last evaluated 2025-03-04.

Conditions:
DICER1-related disorder. Also called: DICER1-related condition.

Allele frequency attached by ClinVar (database versions not stated): gnomAD exomes 0.00017 and 0.00044; ExAC 0.00034; gnomAD 0.00043 and 0.00045.

Submissions (4):

Center for Genomic Medicine, Rigshospitalet, Copenhagen University Hospital
Classification: Likely benign. Last evaluated: 2025-03-04. Review status: criteria provided, single submitter. Criteria: ACMG Guidelines, 2015. Collection method: clinical testing. Allele origin: germline.

Breakthrough Genomics
Classification: Uncertain significance. Review status: criteria provided, single submitter. Criteria: ACMG Guidelines, 2015. Collection method: not provided. Allele origin: germline. Inheritance: Autosomal dominant inheritance. Affected: yes.

PreventionGenetics, part of Exact Sciences
Classification: Likely benign for DICER1-related condition. Last evaluated: 2021-11-19. Review status: no assertion criteria provided. Collection method: clinical testing. Allele origin: germline. Not counted in ClinVar's aggregate classification.
Comment: This variant is classified as likely benign based on ACMG/AMP sequence variant interpretation guidelines (Richards et al. 2015 PMID: 25741868, with internal and published modifications).

Department of Pathology and Laboratory Medicine, Sinai Health System
Classification: Uncertain significance. Review status: no assertion criteria provided. Collection method: clinical testing. Allele origin: unknown. Affected: yes. Study: The Canadian Open Genetics Repository (COGR). Not counted in ClinVar's aggregate classification.
Comment: Variant was observed in a homozygous state in population databases more than expected for disease. A synonymous variant not located in a splice region.